The following is an entry in ClinVar:

ClinVar aggregate classification (germline): Uncertain significance (1 of 4 stars; one submission).

Submission:

GeneDx
Classification: Uncertain significance. Last evaluated: 2024-03-27. Review status: criteria provided, single submitter. Criteria: GeneDx Variant Classification Process June 2021. Collection method: clinical testing. Allele origin: germline. Affected: yes.
Comment: Not observed at significant frequency in large population cohorts (gnomAD); In silico analysis supports that this missense variant has a deleterious effect on protein structure/function; Has not been previously published as pathogenic or benign to our knowledge; This variant is associated with the following publications: (PMID: 27839871)

NM_001134407.3(GRIN2A):c.2231G>A (p.Gly744Asp)

Gene: GRIN2A (glutamate ionotropic receptor NMDA type subunit 2A; minus strand). Cytogenetic location: 16p13.2.
Variant type: single nucleotide variant.
Coding change: c.2231G>A on transcript NM_001134407.3 (MANE Select); coding-DNA position 2231, G replaced by A.
Protein change: p.Gly744Asp; replaces glycine 744 with aspartic acid.
Molecular consequence: missense variant.
Genome position (GRCh38, 1-based): chr16:9,798,402, C>T on the plus strand (G>A on the coding strand, the complement: GRIN2A is on the minus strand). VCF-style: chr16-9798402-C-T. GRCh37 (hg19) VCF-style: chr16-9892259-C-T.
Other names: c.2231G>A, p.Gly744Asp (NM_000833.5, NM_001134408.2); short protein forms G744D.
Identifiers: ClinVar variation 3371270 (VCV003371270.1).
Genomic context (GRCh38, chr16:9,798,402, plus strand): 5'-GCAATTCCATAACCGGTGGTGGCAAAGATGTACCCACTCCCGATGGTCACCAGCTTGCAG[C>T]CTTCATCCCTCCCAGCCTTGTAATTCAAGACTGCGGCATCGTAGATGAAAGCGTCCAGCT-3'
Protein context (NP_001127879.1, residues 734-754): VLNYKAGRDE[Gly744Asp]CKLVTIGSGY